The following is an entry in ClinVar:

NM_001077415.3(CRELD1):c.369-3C>T

Gene: CRELD1 (CRELD disulfide isomerase 1; plus strand). Cytogenetic location: 3p25.3.
Variant type: single nucleotide variant.
Coding change: c.369-3C>T on transcript NM_001077415.3 (MANE Select); 3 bases into the intron before coding-DNA position 369, C replaced by T.
Molecular consequence: intron variant.
Genome position (GRCh38, 1-based): chr3:9,938,012, C>T. VCF-style: chr3-9938012-C-T. GRCh37 (hg19) VCF-style: chr3-9979696-C-T.
Other names: c.369-3C>T (NM_015513.4, NM_001374317.1, NM_001031717.4 and 5 more transcripts).
Identifiers: ClinVar variation 414253 (VCV000414253.17), dbSNP rs200797264, ClinGen allele CA2247670.

ClinVar aggregate classification (germline): Likely benign. Review status: criteria provided, multiple submitters, no conflicts (2 of 4 stars). 5 submissions from 5 submitters: Likely benign (2). 3 of the submissions do not count toward it. Last evaluated 2026-01-12.

Conditions:
Atrioventricular septal defect, susceptibility to, 2. Identifiers: MedGen C1853508, MONDO:0011650, OMIM 606217.
CRELD1-related disorder. Also called: CRELD1-related condition.

Allele frequency attached by ClinVar (database versions not stated): ESP Exome Variant Server 0.00046; gnomAD 0.00051 and 0.00060; gnomAD exomes 0.00061 and 0.00057; TOPMed 0.00063; 1000 Genomes Project 30x 0.00094; ExAC 0.00056; 1000 Genomes Project 0.00060.

Submissions (7):

Labcorp Genetics (formerly Invitae), Labcorp
Classification: Likely benign for Atrioventricular septal defect, susceptibility to, 2. Last evaluated: 2026-01-12. Review status: criteria provided, single submitter. Criteria: Invitae Variant Classification Sherloc (09022015). Collection method: clinical testing. Allele origin: germline.

Laboratory of Genetics, Children's Clinical University Hospital Latvia
Classification: Likely benign. Last evaluated: 2025-02-16. Review status: criteria provided, single submitter. Criteria: ACMG Guidelines, 2015. Collection method: clinical testing. Allele origin: germline. Affected: yes.

PreventionGenetics, part of Exact Sciences
Classification: Likely benign for CRELD1-related condition. Last evaluated: 2023-10-18. Review status: no assertion criteria provided. Collection method: clinical testing. Allele origin: germline. Not counted in ClinVar's aggregate classification.
Comment: This variant is classified as likely benign based on ACMG/AMP sequence variant interpretation guidelines (Richards et al. 2015 PMID: 25741868, with internal and published modifications).

Clinical Genetics DNA and cytogenetics Diagnostics Lab, Erasmus MC, Erasmus Medical Center
Classification: Likely benign. Review status: no assertion criteria provided. Collection method: clinical testing. Allele origin: germline. Affected: yes. Study: VKGL Data-share Consensus. Not counted in ClinVar's aggregate classification.

Dr. Peter K. Rogan Lab, Western University
No classification provided (evidence only). Condition: Malignant tumor of esophagus. Review status: no classification provided. Collection method: in vitro. Allele origin: not applicable. Functional consequence: skipped exon. Not counted in ClinVar's aggregate classification.

Dr. Peter K. Rogan Lab, Western University
No classification provided (evidence only). Condition: Nonpapillary renal cell carcinoma. Review status: no classification provided. Collection method: in vitro. Allele origin: not applicable. Functional consequence: retained intron. Not counted in ClinVar's aggregate classification.

Joint Genome Diagnostic Labs from Nijmegen and Maastricht, Radboudumc and MUMC+
Classification: Likely benign. Review status: no assertion criteria provided. Collection method: clinical testing. Allele origin: germline. Affected: yes. Study: VKGL Data-share Consensus. Not counted in ClinVar's aggregate classification.